The following is an entry in ClinVar:

ClinVar aggregate classification (germline): Uncertain significance. Review status: criteria provided, multiple submitters, no conflicts (2 of 4 stars). 3 submissions from 3 submitters: Uncertain significance (3). Last evaluated 2024-06-21.

Conditions:
GM1 gangliosidosis type 2. Also called: GANGLIOSIDOSIS, GENERALIZED GM1, JUVENILE TYPE; GANGLIOSIDOSIS, GENERALIZED GM1, TYPE II; Gangliosidosis, Generalized GM1, Type 2; GM1-GANGLIOSIDOSIS, TYPE II; Juvenile GM>1< gangliosidosis. Identifiers: Orphanet 354, Orphanet 79256, MedGen C0268272, MONDO:0009261, OMIM 230600.
GM1 gangliosidosis type 3. Also called: GANGLIOSIDOSIS, GENERALIZED GM1, ADULT TYPE; GANGLIOSIDOSIS, GENERALIZED GM1, CHRONIC TYPE; GANGLIOSIDOSIS, GENERALIZED GM1, TYPE III; Gangliosidosis, Generalized GM1, Type 3; GM1-GANGLIOSIDOSIS, TYPE III; Beta-galactosidase deficiency. Identifiers: Orphanet 79257, MedGen C0268273, MONDO:0009262, OMIM 230650.
Mucopolysaccharidosis, MPS-IV-B (MPS4B). Also called: Mucopolysaccharidosis Type IVB; Mucopolysaccharidosis Type IVB (Morquio B Disease); Mucopolysaccharidosis type IVB (Morquio); MPS IVB; Mucopolysaccharidosis type IV B; Mucopolysaccharidosis type 4B. Identifiers: Orphanet 309310, Orphanet 582, MedGen C0086652, MONDO:0009660, OMIM 253010.
Infantile GM1 gangliosidosis. Also called: Gangliosidosis, Generalized GM1, Type 1; GM1-gangliosidosis, type I; Gangliosidosis, generalized GM1, infantile form; GLB1 deficiency; GM1 gangliosidosis type 1. Identifiers: Orphanet 354, Orphanet 79255, MedGen C0268271, MONDO:0009260, OMIM 230500.
GM1 gangliosidosis. Identifiers: Orphanet 354, MedGen C0085131, MONDO:0018149.

Allele frequency attached by ClinVar (database versions not stated): TOPMed below 0.00001.

Submissions (3):

Fulgent Genetics
Classification: Uncertain significance for Infantile GM1 gangliosidosis; GM1 gangliosidosis type 2; GM1 gangliosidosis type 3; Mucopolysaccharidosis, MPS-IV-B. Last evaluated: 2024-06-21. Review status: criteria provided, single submitter. Criteria: ACMG Guidelines, 2015. Collection method: clinical testing. Allele origin: germline.

Labcorp Genetics (formerly Invitae), Labcorp
Classification: Uncertain significance for Mucopolysaccharidosis, MPS-IV-B; GM1 gangliosidosis. Last evaluated: 2019-05-23. Review status: criteria provided, single submitter. Criteria: Invitae Variant Classification Sherloc (09022015). Collection method: clinical testing. Allele origin: germline.
Comment: This sequence change replaces glycine with aspartic acid at codon 596 of the GLB1 protein (p.Gly596Asp). The glycine residue is highly conserved and there is a moderate physicochemical difference between glycine and aspartic acid. This variant is not present in population databases (ExAC no frequency). This variant has not been reported in the literature in individuals with GLB1-related conditions. Algorithms developed to predict the effect of missense changes on protein structure and function are either unavailable or do not agree on the potential impact of this missense change (SIFT: "Deleterious"; PolyPhen-2: "Probably Damaging"; Align-GVGD: "Class C0"). In summary, the available evidence is currently insufficient to determine the role of this variant in disease. Therefore, it has been classified as a Variant of Uncertain Significance.

Blueprint Genetics
Classification: Uncertain significance. Last evaluated: 2017-12-12. Review status: criteria provided, single submitter. Criteria: ACMG Guidelines, 2015. Collection method: clinical testing. Allele origin: germline.

NM_000404.4(GLB1):c.1787G>A (p.Gly596Asp)

Gene: GLB1 (galactosidase beta 1; minus strand). Cytogenetic location: 3p22.3.
Variant type: single nucleotide variant.
Coding change: c.1787G>A on transcript NM_000404.4 (MANE Select); coding-DNA position 1787, G replaced by A.
Protein change: p.Gly596Asp; replaces glycine 596 with aspartic acid.
Molecular consequence: missense variant. On other transcripts: intron variant (1).
Genome position (GRCh38, 1-based): chr3:32,997,292, C>T on the plus strand (G>A on the coding strand, the complement: GLB1 is on the minus strand). VCF-style: chr3-32997292-C-T. GRCh37 (hg19) VCF-style: chr3-33038784-C-T.
Other names: c.1697G>A, p.Gly566Asp (NM_001079811.3); c.1394G>A, p.Gly465Asp (NM_001135602.3); c.1931G>A, p.Gly644Asp (NM_001317040.2); c.1734+16764G>A (NM_001393580.1); short protein forms G566D, G596D, G465D, G644D.
Identifiers: ClinVar variation 863780 (VCV000863780.3), dbSNP rs1696348575, ClinGen allele CA352000751.